The following is an entry in ClinVar:

NM_001377.3(DYNC2H1):c.12685G>A (p.Gly4229Arg)

Gene: DYNC2H1 (dynein cytoplasmic 2 heavy chain 1; plus strand). Cytogenetic location: 11q22.3.
Variant type: single nucleotide variant.
Coding change: c.12685G>A on transcript NM_001377.3 (MANE Select); coding-DNA position 12685, G replaced by A.
Protein change: p.Gly4229Arg; replaces glycine 4229 with arginine.
Molecular consequence: missense variant.
Genome position (GRCh38, 1-based): chr11:103,468,625, G>A. VCF-style: chr11-103468625-G-A. GRCh37 (hg19) VCF-style: chr11-103339353-G-A.
Other names: c.12706G>A, p.Gly4236Arg (NM_001080463.2); short protein forms G4229R, G4236R.
Identifiers: ClinVar variation 3896349 (VCV003896349.2).

ClinVar aggregate classification (germline): Uncertain significance (1 of 4 stars; one submission).

gnomAD v4.1: 1 of 1,613,574 alleles (0.000062%); highest among the groups gnomAD compares: East Asian, 0.0022%; no homozygotes.

Submission:

Women's Health and Genetics/Laboratory Corporation of America, LabCorp
Classification: Uncertain significance. Last evaluated: 2025-04-10. Review status: criteria provided, single submitter. Criteria: LabCorp Variant Classification Summary - May 2015. Collection method: clinical testing. Allele origin: germline.
Comment: Variant summary: DYNC2H1 c.12706G>A (p.Gly4236Arg) results in a non-conservative amino acid change located in the Dynein heavy chain, C-terminal domain (IPR041228) of the encoded protein sequence. Four of five in-silico tools predict a damaging effect of the variant on protein function. The variant allele was found at a frequency of 4e-06 in 248766 control chromosomes. The available data on variant occurrences in the general population are insufficient to allow any conclusion about variant significance. c.12706G>A has been reported in the literature in a compound heterozygous individuals affected with Short-rib thoracic dysplasia (Liu_2022). These report(s) do not provide unequivocal conclusions about association of the variant with Short-rib thoracic dysplasia. To our knowledge, no experimental evidence demonstrating an impact on protein function has been reported. The following publication have been ascertained in the context of this evaluation (PMID: 36549658). No submitters have cited clinical-significance assessments for this variant to ClinVar. Based on the evidence outlined above, the variant was classified as uncertain significance.

Literature cited by the submitters: PubMed 36549658.